The following is an entry in ClinVar:

NM_020911.2(PLXNA4):c.4434G>A (p.Thr1478=)

Gene: PLXNA4 (plexin A4; minus strand). Cytogenetic location: 7q32.3.
Variant type: single nucleotide variant.
Coding change: c.4434G>A on transcript NM_020911.2 (MANE Select); coding-DNA position 4434, G replaced by A.
Protein change: p.Thr1478=; no amino-acid change (threonine 1478 retained).
Molecular consequence: synonymous variant.
Genome position (GRCh38, 1-based): chr7:132,164,208, C>T on the plus strand (G>A on the coding strand, the complement: PLXNA4 is on the minus strand). VCF-style: chr7-132164208-C-T. GRCh37 (hg19) VCF-style: chr7-131848967-C-T.
Other names: c.4434G>A, p.Thr1478= (NM_001393897.1).
Identifiers: ClinVar variation 3054085 (VCV003054085.2), dbSNP rs533523444, ClinGen allele CA4489197.

ClinVar aggregate classification (germline): Likely benign (0 of 4 stars; one submission).

Conditions:
PLXNA4-related disorder. Also called: PLXNA4-related condition.

Allele frequency attached by ClinVar (database versions not stated): gnomAD 0.00002; TOPMed 0.00002; 1000 Genomes Project 30x 0.00016; 1000 Genomes Project 0.00020.
gnomAD v4.1: 55 of 1,614,228 alleles (0.0034%); highest among the groups gnomAD compares: East Asian, 0.098%; no homozygotes.

Submission:

PreventionGenetics, part of Exact Sciences
Classification: Likely benign for PLXNA4-related condition. Last evaluated: 2023-11-30. Review status: no assertion criteria provided. Collection method: clinical testing. Allele origin: germline.
Comment: This variant is classified as likely benign based on ACMG/AMP sequence variant interpretation guidelines (Richards et al. 2015 PMID: 25741868, with internal and published modifications).